The following is an entry in ClinVar:

ClinVar aggregate classification (germline): Likely benign. Review status: criteria provided, single submitter (1 of 4 stars). 2 submissions from 2 submitters: Likely benign (1). 1 of the submissions does not count toward it. Last evaluated 2025-12-22.

Conditions:
MOGS-congenital disorder of glycosylation. Also called: GLUCOSIDASE I DEFICIENCY; CDG IIb; MOGS-CDG; CDG 2B. Identifiers: Orphanet 79330, MedGen C1853736, MONDO:0011629, OMIM 606056.
MOGS-related disorder. Also called: MOGS-related condition.

Allele frequency attached by ClinVar (database versions not stated): gnomAD 0.00002 and 0.00003; TOPMed 0.00003; gnomAD exomes 0.00004 and 0.00007.

Submissions (2):

Labcorp Genetics (formerly Invitae), Labcorp
Classification: Likely benign for MOGS-congenital disorder of glycosylation. Last evaluated: 2025-12-22. Review status: criteria provided, single submitter. Criteria: Invitae Variant Classification Sherloc (09022015). Collection method: clinical testing. Allele origin: germline.

PreventionGenetics, part of Exact Sciences
Classification: Likely benign for MOGS-related condition. Last evaluated: 2019-08-30. Review status: no assertion criteria provided. Collection method: clinical testing. Allele origin: germline. Not counted in ClinVar's aggregate classification.
Comment: This variant is classified as likely benign based on ACMG/AMP sequence variant interpretation guidelines (Richards et al. 2015 PMID: 25741868, with internal and published modifications).

NM_006302.3(MOGS):c.132G>A (p.Val44=)

Genes: MOGS (mannosyl-oligosaccharide glucosidase; minus strand), LOC129934128 (ATAC-STARR-seq lymphoblastoid silent region 11664; plus strand). Cytogenetic location: 2p13.1.
Variant type: single nucleotide variant.
Coding change: c.132G>A on transcript NM_006302.3 (MANE Select); coding-DNA position 132, G replaced by A.
Protein change: p.Val44=; no amino-acid change (valine 44 retained).
Molecular consequence: synonymous variant. On other transcripts: intron variant (1).
Genome position (GRCh38, 1-based): chr2:74,465,116, C>T on the plus strand (G>A on the coding strand, the complement: MOGS is on the minus strand). VCF-style: chr2-74465116-C-T. GRCh37 (hg19) VCF-style: chr2-74692243-C-T.
Other names: c.-58-129G>A (NM_001146158.2); c.132G>A (NM_006302.2).
Identifiers: ClinVar variation 1540344 (VCV001540344.10), dbSNP rs952716488, ClinGen allele CA50477099.
Genomic context (GRCh38, chr2:74,465,116, plus strand): 5'-CGCCAGCACCCAGCGCCCCGACATACCCAGGGCCAAAGACAGGACCACGACGGCCAGAGC[C>T]ACTCCTCCAGCCGTGCTACGCGGCCCGCCGCCCCGGCCGTCCCGTCGCCCGGGGCCTCCC-3'
Protein context (NP_006293.2, residues 34-54): GGGPRSTAGG[Val44=]ALAVVVLSLA